The following is an entry in ClinVar:

NM_020166.5(MCCC1):c.415G>A (p.Ala139Thr)

Gene: MCCC1 (methylcrotonyl-CoA carboxylase subunit 1; minus strand). Cytogenetic location: 3q27.1.
Variant type: single nucleotide variant.
Coding change: c.415G>A on transcript NM_020166.5 (MANE Select); coding-DNA position 415, G replaced by A.
Protein change: p.Ala139Thr; replaces alanine 139 with threonine.
Molecular consequence: missense variant. On other transcripts: non-coding transcript variant (2), intron variant (1).
Genome position (GRCh38, 1-based): chr3:183,072,442, C>T on the plus strand (G>A on the coding strand, the complement: MCCC1 is on the minus strand). VCF-style: chr3-183072442-C-T. GRCh37 (hg19) VCF-style: chr3-182790230-C-T.
Other names: c.88G>A, p.Ala30Thr (NM_001363880.1); c.141-1085G>A (NM_001293273.2); short protein forms A30T, A139T.
Identifiers: ClinVar variation 1503169 (VCV001503169.8), dbSNP rs1436217339, ClinGen allele CA355331260.
Genomic context (GRCh38, chr3:183,072,442, plus strand): 5'-CTCTAATTGCAGATGGAGGAGGGCCTATAAAAATAATTCCTTCTTGCTTACAAAGTTCAG[C>T]AAATTCCATGTTTTCTGAGAGAAAACCGCATCCTGGATGGATAGCCTAGAAATGAGAAAT-3'
Protein context (NP_064551.3, residues 129-149): CGFLSENMEF[Ala139Thr]ELCKQEGIIF

ClinVar aggregate classification (germline): Uncertain significance (1 of 4 stars; one submission).

Conditions:
3-methylcrotonyl-CoA carboxylase 1 deficiency (MCC1D). Also called: MCCD TYPE 1; METHYLCROTONYLGLYCINURIA TYPE I; MCC 1 deficiency; 3 Alpha methylcrotonylglycinuria 1. Identifiers: Orphanet 6, MedGen CN028786, MONDO:0008861, OMIM 210200.

Submission:

Labcorp Genetics (formerly Invitae), Labcorp
Classification: Uncertain significance for 3-methylcrotonyl-CoA carboxylase 1 deficiency. Last evaluated: 2021-09-14. Review status: criteria provided, single submitter. Criteria: Invitae Variant Classification Sherloc (09022015). Collection method: clinical testing. Allele origin: germline.
Comment: Algorithms developed to predict the effect of missense changes on protein structure and function are either unavailable or do not agree on the potential impact of this missense change (SIFT: "Deleterious"; PolyPhen-2: "Probably Damaging"; Align-GVGD: "Class C0"). This sequence change replaces alanine with threonine at codon 139 of the MCCC1 protein (p.Ala139Thr). The alanine residue is highly conserved and there is a small physicochemical difference between alanine and threonine. This variant is not present in population databases (ExAC no frequency). This variant has not been reported in the literature in individuals with MCCC1-related conditions. In summary, the available evidence is currently insufficient to determine the role of this variant in disease. Therefore, it has been classified as a Variant of Uncertain Significance.